The following is an entry in ClinVar:

ClinVar aggregate classification (germline): Conflicting classifications of pathogenicity. Review status: criteria provided, conflicting classifications (1 of 4 stars). 2 submissions from 2 submitters: Uncertain significance (1); Likely benign (1). Last evaluated 2025-05-07.

Conditions:
Renal cell carcinoma. Identifiers: Orphanet 217071, MedGen C0007134, MeSH D002292, MONDO:0005086, HP:0005584.
Hereditary cancer-predisposing syndrome. Also called: Neoplastic Syndromes, Hereditary; Hereditary Cancer Syndrome; Tumor predisposition; Hereditary neoplastic syndrome. Identifiers: Orphanet 140162, MedGen C0027672, MeSH D009386, MONDO:0015356.

Allele frequency attached by ClinVar (database versions not stated): TOPMed 0.00001.
gnomAD v4.1: 4 of 1,614,004 alleles (0.00025%); highest among the groups gnomAD compares: Middle Eastern, 0.017%; no homozygotes.

Submissions (2):

Labcorp Genetics (formerly Invitae), Labcorp
Classification: Uncertain significance for Renal cell carcinoma. Last evaluated: 2025-05-07. Review status: criteria provided, single submitter. Criteria: Invitae Variant Classification Sherloc (09022015). Collection method: clinical testing. Allele origin: germline.
Comment: This sequence change replaces isoleucine, which is neutral and non-polar, with valine, which is neutral and non-polar, at codon 56 of the MET protein (p.Ile56Val). This variant is present in population databases (rs746806941, gnomAD 0.006%). This variant has not been reported in the literature in individuals affected with MET-related conditions. ClinVar contains an entry for this variant (Variation ID: 1035944). Invitae Evidence Modeling of protein sequence and biophysical properties (such as structural, functional, and spatial information, amino acid conservation, physicochemical variation, residue mobility, and thermodynamic stability) indicates that this missense variant is not expected to disrupt MET protein function with a negative predictive value of 80%. In summary, the available evidence is currently insufficient to determine the role of this variant in disease. Therefore, it has been classified as a Variant of Uncertain Significance.

Ambry Genetics
Classification: Likely benign for Hereditary cancer-predisposing syndrome. Last evaluated: 2017-11-27. Review status: criteria provided, single submitter. Criteria: Ambry Variant Classification Scheme 2023. Collection method: clinical testing. Allele origin: germline.

NM_000245.4(MET):c.166A>G (p.Ile56Val)

Gene: MET (MET proto-oncogene, receptor tyrosine kinase; plus strand). Cytogenetic location: 7q31.2.
Variant type: single nucleotide variant.
Coding change: c.166A>G on transcript NM_000245.4 (MANE Select); coding-DNA position 166, A replaced by G.
Protein change: p.Ile56Val; replaces isoleucine 56 with valine.
Molecular consequence: missense variant. On other transcripts: intron variant (1).
Genome position (GRCh38, 1-based): chr7:116,699,250, A>G. VCF-style: chr7-116699250-A-G. GRCh37 (hg19) VCF-style: chr7-116339304-A-G.
Other names: c.166A>G, p.Ile56Val (NM_001127500.3, NM_001324401.3); c.-91+26673A>G (NM_001324402.2); short protein forms I56V.
Identifiers: ClinVar variation 1035944 (VCV001035944.9), dbSNP rs746806941, ClinGen allele CA4447952.